The following is an entry in ClinVar:

NM_000540.3(RYR1):c.3127C>T (p.Arg1043Cys)

Gene: RYR1 (ryanodine receptor 1; plus strand). Cytogenetic location: 19q13.2.
Variant type: single nucleotide variant.
Coding change: c.3127C>T on transcript NM_000540.3 (MANE Select); coding-DNA position 3127, C replaced by T.
Protein change: p.Arg1043Cys; replaces arginine 1043 with cysteine.
Molecular consequence: missense variant.
Genome position (GRCh38, 1-based): chr19:38,466,347, C>T. VCF-style: chr19-38466347-C-T. GRCh37 (hg19) VCF-style: chr19-38956987-C-T.
Other names: c.3127C>T (NM_000540.2); c.3127C>T, p.Arg1043Cys (NM_001042723.2); short protein forms R1043C.
Identifiers: ClinVar variation 133124 (VCV000133124.22), dbSNP rs111272095, ClinGen allele CA024388.

ClinVar aggregate classification (germline): Uncertain significance. Review status: reviewed by expert panel (3 of 4 stars). 12 submissions from 12 submitters: Uncertain significance (1). 11 of the submissions do not count toward it. Last evaluated 2025-08-01.

Conditions:
RYR1-related disorder. Also called: RYR1-related disorders; RYR1-related condition. Identifiers: MedGen CN239331.
Congenital multicore myopathy with external ophthalmoplegia (CMYO1B). Also called: MULTICORE MYOPATHY; Minicore myopathy with external ophthalmoplegia; Congenital myopathy 1B, autosomal recessive; Minicore myopathy; MULTIMINICORE DISEASE WITH EXTERNAL OPHTHALMOPLEGIA. Identifiers: Orphanet 598, Orphanet 98905, MedGen C1850674, MONDO:0009712, OMIM 255320, HP:0003789.
King Denborough syndrome (KDS). Identifiers: MedGen C1840365, MONDO:0020485, OMIM 619542.
Central core myopathy (CMYO1A). Also called: Central core disease; Myopathy, central fibrillar; CONGENITAL MYOPATHY 1A, AUTOSOMAL DOMINANT, WITH SUSCEPTIBILITY TO MALIGNANT HYPERTHERMIA. Identifiers: Orphanet 597, MedGen C5830701, MONDO:0007294, OMIM 117000.
Congenital myopathy with fiber type disproportion. Also called: Congenital fiber-type disproportion myopathy; Congenital fiber-type disproportion. Identifiers: Orphanet 2020, MedGen C0546264, MONDO:0009711. Inheritance: all.
Malignant hyperthermia, susceptibility to, 1 (MHS1). Also called: RYR1-Related Malignant Hyperthermia Susceptibility; Malignant hyperthermia suceptibility 1; Anesthesia related hyperthermia; Malignant hyperpyrexia; Fulminating hyperpyrexia; Pharmacogenic myopathy. Identifiers: Orphanet 423, MedGen C2930980, MONDO:0007783, OMIM 145600.

Allele frequency attached by ClinVar (database versions not stated): ExAC 0.00002; gnomAD 0.00002; gnomAD exomes 0.00003; TOPMed 0.00003; ESP Exome Variant Server 0.00008.
gnomAD v4.1: 13 of 1,591,594 alleles (0.00082%); highest among the groups gnomAD compares: Admixed American, 0.0053%; no homozygotes.

Submissions (12):

ClinGen Malignant Hyperthermia Susceptibility Variant Curation Expert Panel, ClinGen
Classification: Uncertain significance for Malignant hyperthermia, susceptibility to, 1. Last evaluated: 2025-08-01. Review status: reviewed by expert panel. Criteria: ClinGen MHS ACMG Specifications V2. Collection method: curation. Allele origin: germline. Inheritance: Autosomal dominant inheritance.
Comment: This pathogenicity assessment is relevant only for malignant hyperthermia susceptibility (MHS) inherited in an autosomal dominant pattern. Variants in RYR1 can also cause other myopathies inherited in an autosomal dominant pattern or in an autosomal recessive pattern. Some of these disorders may predispose individuals to malignant hyperthermia. RYR1 variants may also contribute to a malignant hyperthermia reaction in combination with other genetic and non-genetic factors and the clinician needs to consider such factors in making management decisions. This sequence variant predicts a substitution of arginine with cysteine at codon 1043 of the RYR1 protein, p.Arg1043Cys. This variant has been reported in an individual with a personal or family history of an MH episode and a positive in vitro contracture test (IVCT) or caffeine halothane contracture test (CHCT) result (if the proband was unavailable for testing, a positive diagnostic test result in a mutation-positive relative was counted), however, this individual also had a second RYR1 variant classified as pathogenic p.Arg2336His (PMID:19191329). Both the presence of a pathogenic RYR1 variant and the high MAF in the AMR population in gnomAD preclude the use of PS4. No functional studies were identified for this variant. A REVEL score >0.85 (0.936) supports a pathogenic status for this variant, PP3_Moderate. This variant has been classified as a Variant of Unknown Significance. Criteria implemented: PP3_Moderate.

Labcorp Genetics (formerly Invitae), Labcorp
Classification: Uncertain significance for RYR1-related disorder. Last evaluated: 2025-11-13. Review status: criteria provided, single submitter. Criteria: Invitae Variant Classification Sherloc (09022015). Collection method: clinical testing. Allele origin: germline. Not counted in ClinVar's aggregate classification.
Comment: This sequence change replaces arginine, which is basic and polar, with cysteine, which is neutral and slightly polar, at codon 1043 of the RYR1 protein (p.Arg1043Cys). The frequency data for this variant in the population databases is considered unreliable, as metrics indicate poor data quality at this position in the gnomAD database. This missense change has been observed to co-occur in individuals with a different variant in RYR1 that has been determined to be pathogenic (PMID: 19191329, 23558838, 30155738), but the significance of this finding is unclear. ClinVar contains an entry for this variant (Variation ID: 133124). Invitae Evidence Modeling of protein sequence and biophysical properties (such as structural, functional, and spatial information, amino acid conservation, physicochemical variation, residue mobility, and thermodynamic stability) indicates that this missense variant is expected to disrupt RYR1 protein function with a positive predictive value of 80%. In summary, the available evidence is currently insufficient to determine the role of this variant in disease. Therefore, it has been classified as a Variant of Uncertain Significance.

Revvity Omics, Revvity
Classification: Uncertain significance. Last evaluated: 2025-02-23. Review status: criteria provided, single submitter. Criteria: ACMG Guidelines, 2015. Collection method: clinical testing. Allele origin: germline. Not counted in ClinVar's aggregate classification.

All of Us Research Program, National Institutes of Health
Classification: Uncertain significance for Malignant hyperthermia, susceptibility to, 1. Last evaluated: 2024-05-30. Review status: criteria provided, single submitter. Criteria: ACMG Guidelines, 2015. Collection method: clinical testing. Allele origin: germline. Inheritance: Autosomal dominant inheritance. Observed: 5 variant alleles, 5 heterozygotes. Not counted in ClinVar's aggregate classification.
Comment: This missense variant replaces arginine with cysteine at codon 1043 of the RYR1 protein. Computational prediction suggests that this variant may have deleterious impact on protein structure and function (internally defined REVEL score threshold >= 0.7, PMID: 27666373). To our knowledge, functional studies have not been reported for this variant. This variant has been reported in two families/individuals affected with malignant hyperthermia susceptibility, these individuals also carried a known pathogenic variant in the RYR1 gene that could explain the observed phenotype (PMID: 19191329, 23558838). This variant has been identified in 6/203518 chromosomes in the general population by the Genome Aggregation Database (gnomAD). The available evidence is insufficient to determine the role of this variant in disease conclusively. Therefore, this variant is classified as a Variant of Uncertain Significance.

This study involves interpretation of variants in research participants for the purpose of population health screening. Participant phenotype was not available at the time of variant classification. Additional details can be found in publication PMID: 35346344, PMCID: PMC8962531

Color Diagnostics, LLC DBA Color Health
Classification: Uncertain significance for Malignant hyperthermia, susceptibility to, 1. Last evaluated: 2024-05-13. Review status: criteria provided, single submitter. Criteria: ACMG Guidelines, 2015. Collection method: clinical testing. Allele origin: germline. Not counted in ClinVar's aggregate classification.
Comment: This missense variant replaces arginine with cysteine at codon 1043 of the RYR1 protein. Computational prediction suggests that this variant may have deleterious impact on protein structure and function. To our knowledge, functional studies have not been reported for this variant. This variant has been reported in two families/individuals affected with malignant hyperthermia susceptibility, these individuals also carried a known pathogenic variant in the RYR1 gene that could explain the observed phenotype (PMID: 19191329, 23558838). This variant has been identified in 6/203518 chromosomes in the general population by the Genome Aggregation Database (gnomAD). The available evidence is insufficient to determine the role of this variant in disease conclusively. Therefore, this variant is classified as a Variant of Uncertain Significance.

Mendelics
Classification: Uncertain significance for Malignant hyperthermia, susceptibility to, 1. Last evaluated: 2023-06-02. Review status: criteria provided, single submitter. Criteria: Mendelics Assertion Criteria 2017. Collection method: clinical testing. Allele origin: unknown. Not counted in ClinVar's aggregate classification.

Fulgent Genetics
Classification: Uncertain significance for Central core myopathy; Malignant hyperthermia, susceptibility to, 1; Congenital myopathy 4A, autosomal dominant; Congenital multicore myopathy with external ophthalmoplegia; King Denborough syndrome. Last evaluated: 2022-02-08. Review status: criteria provided, single submitter. Criteria: ACMG Guidelines, 2015. Collection method: clinical testing. Allele origin: unknown. Not counted in ClinVar's aggregate classification.

Women's Health and Genetics/Laboratory Corporation of America, LabCorp
Classification: Uncertain significance. Last evaluated: 2022-01-19. Review status: criteria provided, single submitter. Criteria: LabCorp Variant Classification Summary - May 2015. Collection method: clinical testing. Allele origin: germline. Not counted in ClinVar's aggregate classification.
Comment: Variant summary: RYR1 c.3127C>T (p.Arg1043Cys) results in a non-conservative amino acid change located in the Ryanodine receptor Ryr domain (IPR003032) of the encoded protein sequence. Five of five in-silico tools predict a damaging effect of the variant on protein function. The variant allele was found at a frequency of 2.9e-05 in 203518 control chromosomes (gnomAD). The available data on variant occurrences in the general population are insufficient to allow any conclusion about variant significance. c.3127C>T has been reported in the literature in individuals affected with Malignant Hyperthermia Susceptibility and other RYR1-related myopathy, however it was shown co-occuring with other RYR1 pathogenic variants: c.7007G>A, p.Arg2336His (ClinVar:133174, pathogenic) (Levano_2009, Brandom_2013, Kushnir_2020, internal testing) or c.1589G>A, p.Arg530His (ClinVar:133101, VUS/likely pathogenic/pathogenic)(Herman_2021, Kushnir_2020), providing supporting evidence for a benign role. To our knowledge, no experimental evidence demonstrating an impact on protein function has been reported. Three ClinVar submitters, including one expert panel, have assessed this variant since 2014: two have classified the variant as of uncertain significance and one as benign. Based on the evidence outlined above, the variant was classified as uncertain significance.

Eurofins Ntd Llc (ga)
Classification: Uncertain significance. Last evaluated: 2014-07-11. Review status: criteria provided, single submitter. Criteria: EGL Classification Definitions 2015. Collection method: clinical testing. Allele origin: germline. Observed: 1 variant allele, 1 heterozygote. Not counted in ClinVar's aggregate classification.

PreventionGenetics, part of Exact Sciences
Classification: Uncertain significance. Last evaluated: 2013-11-19. Review status: criteria provided, single submitter. Criteria: ACMG Guidelines, 2015. Collection method: clinical testing. Allele origin: germline. Not counted in ClinVar's aggregate classification.

CSER _CC_NCGL, University of Washington
Classification: Likely benign for Malignant hyperthermia. Last evaluated: 2014-06-01. Review status: no assertion criteria provided. Collection method: research. Allele origin: germline. Inheritance: Autosomal dominant inheritance. Study: ESP 6500 variant annotation. Not counted in ClinVar's aggregate classification.
Comment: Variants classified for the Actionable exomic incidental findings in 6503 participants: challenges of variant classification manuscript

RYR1 database
No classification provided. Review status: no classification provided. Collection method: not provided. Allele origin: unknown. Not counted in ClinVar's aggregate classification.

Literature cited by the submitters: PubMed 19191329 (cited by 4 submitters); PubMed 23558838 (cited by 4 submitters); PubMed 30155738 (cited by Labcorp Genetics (formerly Invitae), Labcorp); PubMed 33146414 (cited by Women's Health and Genetics/Laboratory Corporation of America, LabCorp); PubMed 32236737 (cited by Women's Health and Genetics/Laboratory Corporation of America, LabCorp).